The following is an entry in ClinVar:

ClinVar aggregate classification (germline): Benign/Likely benign. Review status: criteria provided, multiple submitters, no conflicts (2 of 4 stars). 4 submissions from 4 submitters: Benign (3); Likely benign (1). Last evaluated 2026-02-01.

Conditions:
Severe combined immunodeficiency due to DNA-PKcs deficiency. Also called: IMMUNODEFICIENCY 26 WITH NEUROLOGIC ABNORMALITIES; Immunodeficiency 26 with or without neurologic abnormalities. Identifiers: Orphanet 317425, MedGen C4014833, MONDO:0014423, OMIM 615966.

Allele frequency attached by ClinVar (database versions not stated): gnomAD exomes 0.00113 and 0.00294; ExAC 0.00592; 1000 Genomes Project 0.00919; 1000 Genomes Project 30x 0.00999; ESP Exome Variant Server 0.01091; gnomAD 0.01117 and 0.01219; TOPMed 0.01242.
gnomAD v4.1: 3,453 of 1,583,438 alleles (0.22%); highest among the groups gnomAD compares: African/African-American, 3.8%; 79 homozygotes.

Submissions (4):

Labcorp Genetics (formerly Invitae), Labcorp
Classification: Benign for Severe combined immunodeficiency due to DNA-PKcs deficiency. Last evaluated: 2026-02-01. Review status: criteria provided, single submitter. Criteria: Invitae Variant Classification Sherloc (09022015). Collection method: clinical testing. Allele origin: germline.

Blueprint Genetics
Classification: Likely benign. Last evaluated: 2024-11-26. Review status: criteria provided, single submitter. Criteria: ACMG Guidelines, 2015. Collection method: clinical testing. Allele origin: germline.

GeneDx
Classification: Benign. Last evaluated: 2016-09-26. Review status: criteria provided, single submitter. Criteria: GeneDx Variant Classification (06012015). Collection method: clinical testing. Allele origin: germline. Affected: yes.
Comment: This variant is considered likely benign or benign based on one or more of the following criteria: it is a conservative change, it occurs at a poorly conserved position in the protein, it is predicted to be benign by multiple in silico algorithms, and/or has population frequency not consistent with disease.

Breakthrough Genomics
Classification: Benign. Review status: criteria provided, single submitter. Criteria: ACMG Guidelines, 2015. Collection method: not provided. Allele origin: germline. Inheritance: Autosomal recessive inheritance. Affected: yes.

NM_006904.7(PRKDC):c.5088T>G (p.Leu1696=)

Gene: PRKDC (protein kinase, DNA-activated, catalytic subunit; minus strand). Cytogenetic location: 8q11.21.
Variant type: single nucleotide variant.
Coding change: c.5088T>G on transcript NM_006904.7 (MANE Select); coding-DNA position 5088, T replaced by G.
Protein change: p.Leu1696=; no amino-acid change (leucine 1696 retained).
Molecular consequence: synonymous variant.
Genome position (GRCh38, 1-based): chr8:47,879,638, A>C on the plus strand (T>G on the coding strand, the complement: PRKDC is on the minus strand). VCF-style: chr8-47879638-A-C. GRCh37 (hg19) VCF-style: chr8-48792199-A-C.
Other names: c.5088T>G, p.Leu1696= (NM_001081640.2).
Identifiers: ClinVar variation 379439 (VCV000379439.13), dbSNP rs6992074, ClinGen allele CA4740712.
Genomic context (GRCh38, chr8:47,879,638, plus strand): 5'-CTGCTCCAGAACACGTCTAAGTTCCTCCAGACTGCCTCCAGTGAGGCTGGTGAAGAATGG[A>C]AGAAGAGTGACAGCTTGGCCCTGTGGAGCAAGACAGACATAAGAAACTGCACGAATTATG-3'
Protein context (NP_008835.5, residues 1686-1706): LHLKGQAVTL[Leu1696=]PFFTSLTGGS